The following is an entry in ClinVar:

ClinVar aggregate classification (germline): Uncertain significance (1 of 4 stars; one submission).

Conditions:
Hereditary cancer-predisposing syndrome. Also called: Hereditary Cancer Syndrome; Hereditary neoplastic syndrome; Tumor predisposition; Neoplastic Syndromes, Hereditary. Identifiers: Orphanet 140162, MedGen C0027672, MeSH D009386, MONDO:0015356.

Allele frequency attached by ClinVar (database versions not stated): gnomAD exomes below 0.00001.
gnomAD v4.1: 1 of 1,614,160 alleles (0.000062%); highest among the groups gnomAD compares: Non-Finnish European, 0.000085%; no homozygotes.

Submission:

Ambry Genetics
Classification: Uncertain significance for Hereditary cancer-predisposing syndrome. Last evaluated: 2020-11-05. Review status: criteria provided, single submitter. Criteria: Ambry Variant Classification Scheme 2023. Collection method: clinical testing. Allele origin: germline.
Comment: The p.S771N variant (also known as c.2312G>A), located in coding exon 5 of the PALB2 gene, results from a G to A substitution at nucleotide position 2312. The serine at codon 771 is replaced by asparagine, an amino acid with highly similar properties. This amino acid position is not well conserved in available vertebrate species. In addition, this alteration is predicted to be tolerated by in silico analysis. Since supporting evidence is limited at this time, the clinical significance of this alteration remains unclear.

NM_024675.4(PALB2):c.2312G>A (p.Ser771Asn)

Gene: PALB2 (partner and localizer of BRCA2; minus strand). Cytogenetic location: 16p12.2.
Variant type: single nucleotide variant.
Coding change: c.2312G>A on transcript NM_024675.4 (MANE Select); coding-DNA position 2312, G replaced by A.
Protein change: p.Ser771Asn; replaces serine 771 with asparagine.
Molecular consequence: missense variant.
Genome position (GRCh38, 1-based): chr16:23,629,842, C>T on the plus strand (G>A on the coding strand, the complement: PALB2 is on the minus strand). VCF-style: chr16-23629842-C-T. GRCh37 (hg19) VCF-style: chr16-23641163-C-T.
Other names: c.2252G>A, p.Ser751Asn (NM_001407296.1); c.2312G>A, p.Ser771Asn (NM_001407297.1, NM_001407298.1, NM_001407299.1 and 3 more transcripts); c.1427G>A, p.Ser476Asn (NM_001407304.1, NM_001407305.1, NM_001407306.1 and 5 more transcripts); c.524G>A, p.Ser175Asn (NM_001407312.1, NM_001407313.1); short protein forms S175N, S751N, S771N, S476N.
Identifiers: ClinVar variation 1789458 (VCV001789458.2), dbSNP rs2142375855, ClinGen allele CA395125199.